The following is an entry in ClinVar:

ClinVar aggregate classification (germline): Likely pathogenic (1 of 4 stars; one submission).

Conditions:
X-linked immunodeficiency with magnesium defect, Epstein-Barr virus infection and neoplasia. Identifiers: Orphanet 317476, MedGen C3275445, MONDO:0010455, OMIM 300853.

Submission:

Labcorp Genetics (formerly Invitae), Labcorp
Classification: Likely pathogenic for X-linked immunodeficiency with magnesium defect, Epstein-Barr virus infection and neoplasia. Last evaluated: 2025-08-18. Review status: criteria provided, single submitter. Criteria: Invitae Variant Classification Sherloc (09022015). Collection method: clinical testing. Allele origin: germline.
Comment: This sequence change affects a donor splice site in intron 4 of the MAGT1 gene. It is expected to disrupt RNA splicing. Variants that disrupt the donor or acceptor splice site typically lead to a loss of protein function (PMID: 16199547), and loss-of-function variants in MAGT1 are known to be pathogenic (PMID: 24550228). This variant is not present in population databases (gnomAD no frequency). This variant has not been reported in the literature in individuals affected with MAGT1-related conditions. Algorithms developed to predict the effect of sequence changes on RNA splicing suggest that this variant may disrupt the consensus splice site. In summary, the currently available evidence indicates that the variant is pathogenic, but additional data are needed to prove that conclusively. Therefore, this variant has been classified as Likely Pathogenic.

Literature cited by the submitters: PubMed 16199547; PubMed 24550228.

NM_001367916.1(MAGT1):c.531+1G>A

Gene: MAGT1 (magnesium transporter 1; minus strand). Cytogenetic location: Xq21.1.
Variant type: single nucleotide variant.
Coding change: c.531+1G>A on transcript NM_001367916.1 (MANE Select); the canonical splice donor site of the intron after coding-DNA position 531, G replaced by A.
Molecular consequence: splice donor variant.
Genome position (GRCh38, 1-based): chrX:77,857,356, C>T on the plus strand (G>A on the coding strand, the complement: MAGT1 is on the minus strand). VCF-style: chrX-77857356-C-T. GRCh37 (hg19) VCF-style: chrX-77112853-C-T.
Other names: c.627+1G>A (NM_032121.5).
Identifiers: ClinVar variation 4725657 (VCV004725657.1).